The following is an entry in ClinVar:

ClinVar aggregate classification (germline): Uncertain significance (1 of 4 stars; one submission).

Submission:

CeGaT Center for Human Genetics Tuebingen
Classification: Uncertain significance. Last evaluated: 2022-10-01. Review status: criteria provided, single submitter. Criteria: CeGaT Center For Human Genetics Tuebingen Variant Classification Criteria Version 2. Collection method: clinical testing. Allele origin: germline. Affected: yes. Observed: 1 variant allele.
Comment: RBCK1: PM2, BP1

NM_031229.4(RBCK1):c.561T>G (p.Asp187Glu)

Gene: RBCK1 (RANBP2-type and C3HC4-type zinc finger containing 1; plus strand). Cytogenetic location: 20p13.
Variant type: single nucleotide variant.
Coding change: c.561T>G on transcript NM_031229.4 (MANE Select); coding-DNA position 561, T replaced by G.
Protein change: p.Asp187Glu; replaces aspartic acid 187 with glutamic acid.
Molecular consequence: missense variant. On other transcripts: non-coding transcript variant (1).
Genome position (GRCh38, 1-based): chr20:419,447, T>G. VCF-style: chr20-419447-T-G. GRCh37 (hg19) VCF-style: chr20-400091-T-G.
Other names: c.212T>G, p.Met71Arg (NM_001323956.2, NM_001323958.2); c.612T>G, p.Asp204Glu (NM_001410770.1); c.435T>G, p.Asp145Glu (NM_006462.6); short protein forms D145E, D187E, D204E, M71R.
Identifiers: ClinVar variation 2652125 (VCV002652125.24), dbSNP rs2514500425, ClinGen allele CA407923456.